The following is an entry in ClinVar:

NC_000011.9:g.(?_108137888)_(108225611_?)dup

Variant type: Duplication.
Identifiers: ClinVar variation 1676607 (VCV001676607.4).

ClinVar aggregate classification (germline): Likely pathogenic (3 of 4 stars; one submission).

Conditions:
ATM-related cancer predisposition. Also called: ATM-related cancer susceptibility. Identifiers: MedGen CN377759, MONDO:0700270.

Submission:

ClinGen Hereditary Breast, Ovarian and Pancreatic Cancer Variant Curation Expert Panel, ClinGen
Classification: Likely pathogenic for ATM-related cancer predisposition. Last evaluated: 2022-03-09. Review status: reviewed by expert panel. Criteria: clingen hbop acmg specifications atm v1-1. Collection method: curation. Allele origin: germline. Inheritance: Autosomal dominant inheritance.
Comment: The ATM EX16_60dup variant is presumed to be a tandem duplication and results in the disruption of a critical domain (PVS1_Strong). The variant is absent in the GnomAD v2.1.1 cohort (PM2_Supporting). This variant has been observed in a compound heterozygous state (confirmed) in one individual with Ataxia-Telangiectasia (PM3, GTR Lab ID: 500031). In summary, this variant meets criteria to be classified as likely pathogenic. ACMG/AMP criteria applied, as specified by the HBOP Variant Curation Expert Panel.